The following is an entry in ClinVar:

ClinVar aggregate classification (germline): Pathogenic/Likely pathogenic. Review status: criteria provided, multiple submitters, no conflicts (2 of 4 stars). 3 submissions from 3 submitters: Pathogenic (1); Likely pathogenic (1). 1 of the submissions does not count toward it. Last evaluated 2025-12-30.

Conditions:
Ehlers-Danlos syndrome, classic type, 1 (EDSCL1). Also called: EHLERS-DANLOS SYNDROME, GRAVIS TYPE; EHLERS-DANLOS SYNDROME, SEVERE CLASSIC TYPE; Ehlers-Danlos syndrome, type 1; Ehlers-Danlos Syndrome, Classic Type, COL5A1-Related; EDS I. Identifiers: MedGen C0268335, MONDO:0019567, OMIM 130000.
Osteogenesis imperfecta type I (OI1). Also called: OI, TYPE I; OSTEOGENESIS IMPERFECTA TARDA; OSTEOGENESIS IMPERFECTA WITH BLUE SCLERAE; Osteogenesis imperfecta type 1; Lobstein's Disease; Lobstein disease. Identifiers: Orphanet 216796, Orphanet 666, MedGen C0023931, MONDO:0008146, OMIM 166200. Disease mechanism: loss of function.
COL1A2-related disorder. Also called: COL1A2-related condition; COL1A2-Related Disorders.

Submissions (3):

3billion
Classification: Likely pathogenic for COL1A2-related disorder. Last evaluated: 2025-12-30. Review status: criteria provided, single submitter. Criteria: ACMG Guidelines, 2015. Collection method: clinical testing. Allele origin: germline. Affected: yes.
Comment: The variant is not observed in the gnomAD v4.1.0 dataset. Predicted Consequence/Location: Missense variant. Missense changes are a common disease-causing mechanism. In silico tool predictions suggest damaging effect of the variant on gene or gene product [REVEL: 0.99 (>=0.6, sensitivity 0.68 and specificity 0.92)]. The same nucleotide change resulting in the same amino acid change has been previously reported to be associated with COL1A2-related disorder (ClinVar ID: VCV003344912/PMID: 27509835).A different missense change at the same codon (p.Gly217Val) has been reported to be associated with COL1A2-related disorder (PMID: 11317364). Therefore, this variant is classified as Likely pathogenic according to the recommendation of ACMG/AMP guideline.

Labcorp Genetics (formerly Invitae), Labcorp
Classification: Pathogenic for Osteogenesis imperfecta type I; Ehlers-Danlos syndrome, classic type, 1. Last evaluated: 2025-08-11. Review status: criteria provided, single submitter. Criteria: Invitae Variant Classification Sherloc (09022015). Collection method: clinical testing. Allele origin: germline.
Comment: This sequence change replaces glycine, which is neutral and non-polar, with glutamic acid, which is acidic and polar, at codon 217 of the COL1A2 protein (p.Gly217Glu). This variant is not present in population databases (gnomAD no frequency). This missense change has been observed in individuals with osteogenesis imperfecta (PMID: 27509835, 35154279). ClinVar contains an entry for this variant (Variation ID: 3344912). Invitae Evidence Modeling of protein sequence and biophysical properties (such as structural, functional, and spatial information, amino acid conservation, physicochemical variation, residue mobility, and thermodynamic stability) indicates that this missense variant is expected to disrupt COL1A2 protein function with a positive predictive value of 95%. This variant disrupts the triple helix domain of COL1A2. Glycine residues within the Gly-Xaa-Yaa repeats of the triple helix domain are required for the structure and stability of fibrillar collagens (PMID: 7695699, 8218237, 19344236). In COL1A2, variants affecting these glycine residues are significantly enriched in individuals with disease (PMID: 9016532, 17078022) compared to the general population (ExAC). For these reasons, this variant has been classified as Pathogenic.

PreventionGenetics, part of Exact Sciences
Classification: Likely pathogenic for COL1A2-related condition. Last evaluated: 2024-09-21. Review status: no assertion criteria provided. Collection method: clinical testing. Allele origin: germline. Not counted in ClinVar's aggregate classification.
Comment: The COL1A2 c.650G>A variant is predicted to result in the amino acid substitution p.Gly217Glu. This variant has been reported in two individuals with osteogenesis imperfecta Type IV (Table S1, Bardai et al. 2016. PubMed ID: 27509835) and found in another individual with osteogenesis imperfecta Type III, who also carried a COL1A1 c.590G>A (p.Gly197Asp) ( Table S1 and S2, Chen et al 2022. PubMed ID: 35154279). This variant has not been reported in a large population database, indicating this variant is rare. The p.Gly217 residue is located in the conserved Gly-Xaa-Yaa triple helical domain where substitutions of a glycine are usually pathogenic (Marini et al. 2007. PubMed ID: 17078022). This variant is interpreted as likely pathogenic.

Literature cited by the submitters: PubMed 11317364 (cited by 3billion); PubMed 27509835 (cited by 3billion and Labcorp Genetics (formerly Invitae), Labcorp); PubMed 35154279 (cited by Labcorp Genetics (formerly Invitae), Labcorp); PubMed 7695699 (cited by Labcorp Genetics (formerly Invitae), Labcorp); PubMed 8218237 (cited by Labcorp Genetics (formerly Invitae), Labcorp); PubMed 19344236 (cited by Labcorp Genetics (formerly Invitae), Labcorp); PubMed 9016532 (cited by Labcorp Genetics (formerly Invitae), Labcorp); PubMed 17078022 (cited by Labcorp Genetics (formerly Invitae), Labcorp).

NM_000089.4(COL1A2):c.650G>A (p.Gly217Glu)

Gene: COL1A2 (collagen type I alpha 2 chain; plus strand). Cytogenetic location: 7q21.3.
Variant type: single nucleotide variant.
Coding change: c.650G>A on transcript NM_000089.4 (MANE Select); coding-DNA position 650, G replaced by A.
Protein change: p.Gly217Glu; replaces glycine 217 with glutamic acid.
Molecular consequence: missense variant.
Genome position (GRCh38, 1-based): chr7:94,408,193, G>A. VCF-style: chr7-94408193-G-A. GRCh37 (hg19) VCF-style: chr7-94037505-G-A.
Other names: short protein forms G217E.
Identifiers: ClinVar variation 3344912 (VCV003344912.3).
Genomic context (GRCh38, chr7:94,408,193, plus strand): 5'-TTTTTTTAAATTAGCATTCTGGATTTTATTGAAAATATTTCTGCTTCTAGGGAGCCCGTG[G>A]GCTTCCTGGTGAGAGAGGACGTGTTGGTGCCCCTGGCCCAGCTGTAAGTGCTTCCATTTT-3'
Protein context (NP_000080.2, residues 207-227): NGTPGQTGAR[Gly217Glu]LPGERGRVGA